The following is an entry in ClinVar:

NM_000055.4(BCHE):c.428G>A (p.Gly143Asp)

Gene: BCHE (butyrylcholinesterase; minus strand). Cytogenetic location: 3q26.1.
Variant type: single nucleotide variant.
Coding change: c.428G>A on transcript NM_000055.4 (MANE Select); coding-DNA position 428, G replaced by A.
Protein change: p.Gly143Asp; replaces glycine 143 with aspartic acid.
Molecular consequence: missense variant. On other transcripts: non-coding transcript variant (1).
Genome position (GRCh38, 1-based): chr3:165,830,606, C>T on the plus strand (G>A on the coding strand, the complement: BCHE is on the minus strand). VCF-style: chr3-165830606-C-T. GRCh37 (hg19) VCF-style: chr3-165548394-C-T.
Other names: BCHE*115D; G115D; short protein forms G143D.
Identifiers: ClinVar variation 344097 (VCV000344097.43), dbSNP rs201820739, ClinGen allele CA2692513.

ClinVar aggregate classification (germline): Pathogenic. Review status: criteria provided, multiple submitters, no conflicts (2 of 4 stars). 11 submissions from 11 submitters: Pathogenic (10). 1 of the submissions does not count toward it. Last evaluated 2026-08-13.

Conditions:
BCHE-related disorder. Also called: BCHE-related condition.
Deficiency of butyrylcholinesterase (BCHED). Also called: Butyrylcholinesterase deficiency; BCHE, silent 1; Acholinesterasemia; Deficiency of butyrylcholine esterase. Identifiers: Orphanet 132, MedGen C1283400, MONDO:0015270, OMIM 617936.

Allele frequency attached by ClinVar (database versions not stated): ESP Exome Variant Server 0.00008; ExAC 0.00026; gnomAD exomes 0.00028; gnomAD 0.00034 and 0.00035; TOPMed 0.00038.
gnomAD v4.1: 529 of 1,614,004 alleles (0.033%); highest among the groups gnomAD compares: Non-Finnish European, 0.038%; no homozygotes.

Submissions (11):

PreventionGenetics, part of Exact Sciences
Classification: Pathogenic for BCHE-related condition. Last evaluated: 2026-08-13. Review status: criteria provided, single submitter. Criteria: ACMG Guidelines, 2015. Collection method: clinical testing. Allele origin: germline.
Comment: The BCHE c.428G>A variant is predicted to result in the amino acid substitution p.Gly143Asp. This variant is also referred to as p.Gly115Asp in the literature. This variant has previously been reported to be causative for butyrylcholinesterase deficiency, and functional studies support its pathogenicity (Gätke et al. 2001. PubMed ID: 11575530; Primo-Parmo et al. 1997. PubMed ID: 9110359). This variant is reported in 0.13% of alleles in individuals of Ashkenazi Jewish descent in gnomAD. This variant is interpreted as pathogenic.

Dasa
Classification: Pathogenic. Last evaluated: 2026-04-17. Review status: criteria provided, single submitter. Criteria: DASA Assertion Criteria. Collection method: clinical testing. Allele origin: germline.
Comment: NM_000055.4(BCHE):c.428G>A (p.Gly143Asp) is a missense variant that results in the substitution of glycine with aspartic acid. Functional evidence supports a deleterious effect on the gene or gene product (PMID: 11575530; PMID: 18075469; PMID: 18165570; PMID: 9110359). This variant has been recurrently observed in individuals with related phenotype (PMID: 11575530; PMID: 18075469; PMID: 18165570; PMID: 9110359). Segregation evidence has been reported in affected families. Multiple computational predictions support a deleterious effect on the gene or gene product. The variant is present at low frequency in population datasets. Based on the available data, this variant is classified as pathogenic.

Blueprint Genetics
Classification: Pathogenic for BCHE-related disorders. Last evaluated: 2024-10-22. Review status: criteria provided, single submitter. Criteria: ACMG Guidelines, 2015. Collection method: clinical testing. Allele origin: germline. Affected: yes. Observed: 5 variant alleles.

Revvity Omics, Revvity
Classification: Pathogenic for Deficiency of butyrylcholinesterase. Last evaluated: 2024-07-23. Review status: criteria provided, single submitter. Criteria: ACMG Guidelines, 2015. Collection method: clinical testing. Allele origin: germline.

Institute of Human Genetics, University of Leipzig Medical Center
Classification: Pathogenic for Deficiency of butyrylcholinesterase. Last evaluated: 2024-07-16. Review status: criteria provided, single submitter. Criteria: ACMG Guidelines, 2015. Collection method: clinical testing. Allele origin: unknown. Inheritance: Autosomal recessive inheritance. Affected: yes.
Comment: Criteria applied: PM3_VSTR,PS3_MOD,PP3,PP4

CeGaT Center for Human Genetics Tuebingen
Classification: Pathogenic. Last evaluated: 2023-09-01. Review status: criteria provided, single submitter. Criteria: CeGaT Center For Human Genetics Tuebingen Variant Classification Criteria Version 2. Collection method: clinical testing. Allele origin: germline. Affected: yes. Observed: 1 variant allele.
Comment: BCHE: PM3:Very Strong, PM2, PS3:Moderate, PP3

Department of Pathology and Laboratory Medicine, Sinai Health System
Classification: Pathogenic for butyrylcholinesterase deficiency. Last evaluated: 2023-02-13. Review status: criteria provided, single submitter. Criteria: ACMG Guidelines, 2015. Collection method: research. Allele origin: germline.

Women's Health and Genetics/Laboratory Corporation of America, LabCorp
Classification: Pathogenic for Deficiency of butyrylcholine esterase. Last evaluated: 2020-02-21. Review status: criteria provided, single submitter. Criteria: LabCorp Variant Classification Summary - May 2015. Collection method: clinical testing. Allele origin: germline.
Comment: Variant summary: BCHE c.428G>A (p.Gly143Asp, legacy names G115D and BCHE*115D) results in a non-conservative amino acid change located in the Carboxylesterase, type B (IPR002018) of the encoded protein sequence. Five of five in-silico tools predict a damaging effect of the variant on protein function. The variant allele was found at a frequency of 0.00028 in 250884 control chromosomes. This frequency is not significantly higher than expected for a pathogenic variant in BCHE causing Deficiency of butyrylcholine esterase (0.00028 vs 0.016), allowing no conclusion about variant significance. c.428G>A has been reported in the literature in multiple individuals affected with Deficiency of butyrylcholine esterase resulting in sensitivity to muscle relaxants such as succinylcholine and mivacurium (example, Primo-Parmo_1997, Gatke_2001). It has been subsequently cited by others. These data indicate that the variant is very likely to be associated with disease. At least one publication reports experimental evidence evaluating an impact on protein function. The most pronounced variant effect results in <10% of normal butyrylcholineesterase activity in a homozygous individual (example, Primo-Parmo_1997). Two clinical diagnostic laboratories have submitted clinical-significance assessments for this variant to ClinVar after 2014 without evidence for independent evaluation. All laboratories classified the variant as pathogenic (n=1)/likely pathogenic(n=1). Based on the evidence outlined above, the variant was classified as pathogenic.

Illumina Laboratory Services, Illumina
Classification: Pathogenic for Deficiency of butyrylcholinesterase. Last evaluated: 2018-01-24. Review status: criteria provided, single submitter. Criteria: ICSL Variant Classification Criteria 09 May 2019. Collection method: clinical testing. Allele origin: germline.
Comment: The BCHE c.428G>A (p.Gly143Asp) missense variant has been reported in at least six studies in which it is found in a total of 15 individuals with butyrylcholinesterase deficiency, including in one in a homozygous state, in 11 in a compound heterozygous state, and in three in a heterozygous state (Primo-Parmo et al. 1997; Gatke et al. 2001; Yen et al. 2003; Gatke et al. 2007; Levano et al. 2008). Control data are unavailable for this variant, which is reported at a frequency of 0.001183 in the Ashkenazi Jewish population of the Genome Aggregation Database. Gatke et al. (2001) reported that individuals with the p.Gly143Asp variant require up to eight hours to reach clinically sufficient neuromuscular function post-dosing of mivicurium, with active isomers present for up to 90 minutes as compared to healthy adults in which isomers were present for 1.5 to 2.3 minutes. The variant occurs in a highly conserved region of BCHE. Functional studies demonstrated that the p.Gly143Asp variant resulted in significantly reduced or absent BCHE activity and only 40% of wild type expression levels (Primo-Parmo et al. 1997; Gatke et al. 2001; Yen et al. 2003). Based on the evidence, the p.Gly143Asp variant is classified as pathogenic for butyrylcholinesterase deficiency, though many individuals who carry pathogenic BCHE variants do not develop clinical complications. This variant was observed by ICSL as part of a predisposition screen in an ostensibly healthy population.

Neuberg Centre For Genomic Medicine, NCGM
Classification: Pathogenic for Deficiency of butyrylcholinesterase. Review status: criteria provided, single submitter. Criteria: ACMG Guidelines, 2015. Collection method: clinical testing. Allele origin: germline. Inheritance: Autosomal recessive inheritance. Affected: yes.

Counsyl
Classification: Likely pathogenic. Last evaluated: 2016-12-23. Review status: no assertion criteria provided. Collection method: clinical testing. Allele origin: unknown. Not counted in ClinVar's aggregate classification.

Literature cited by the submitters: PubMed 11575530 (cited by 3 submitters); PubMed 18075469 (cited by 3 submitters); PubMed 18165570 (cited by Dasa and Illumina Laboratory Services, Illumina); PubMed 9110359 (cited by 4 submitters); PubMed 12881446 (cited by Illumina Laboratory Services, Illumina and Counsyl); PubMed 18555211 (cited by Counsyl).